The following is an entry in ClinVar:

NM_001184.4(ATR):c.1417C>T (p.Leu473Phe)

Gene: ATR (ATR checkpoint kinase; minus strand). Cytogenetic location: 3q23.
Variant type: single nucleotide variant.
Coding change: c.1417C>T on transcript NM_001184.4 (MANE Select); coding-DNA position 1417, C replaced by T.
Protein change: p.Leu473Phe; replaces leucine 473 with phenylalanine.
Molecular consequence: missense variant. On other transcripts: intron variant (1).
Genome position (GRCh38, 1-based): chr3:142,560,387, G>A on the plus strand (C>T on the coding strand, the complement: ATR is on the minus strand). VCF-style: chr3-142560387-G-A. GRCh37 (hg19) VCF-style: chr3-142279229-G-A.
Other names: c.1349+856C>T (NM_001354579.2); short protein forms L473F.
Identifiers: ClinVar variation 1772162 (VCV001772162.7), dbSNP rs1180472304, ClinGen allele CA354822939.

ClinVar aggregate classification (germline): Uncertain significance. Review status: criteria provided, multiple submitters, no conflicts (2 of 4 stars). 2 submissions from 2 submitters: Uncertain significance (2). Last evaluated 2022-10-24.

Conditions:
Inborn genetic diseases. Identifiers: MedGen C0950123, MeSH D030342.

Allele frequency attached by ClinVar (database versions not stated): TOPMed below 0.00001; gnomAD exomes 0.00001.
gnomAD v4.1: 7 of 1,613,596 alleles (0.00043%); highest among the groups gnomAD compares: African/African-American, 0.0013%; no homozygotes.

Submissions (2):

Labcorp Genetics (formerly Invitae), Labcorp
Classification: Uncertain significance. Last evaluated: 2022-10-24. Review status: criteria provided, single submitter. Criteria: Invitae Variant Classification Sherloc (09022015). Collection method: clinical testing. Allele origin: germline.
Comment: In summary, the available evidence is currently insufficient to determine the role of this variant in disease. Therefore, it has been classified as a Variant of Uncertain Significance. Algorithms developed to predict the effect of sequence changes on RNA splicing suggest that this variant may create or strengthen a splice site. Algorithms developed to predict the effect of missense changes on protein structure and function are either unavailable or do not agree on the potential impact of this missense change (SIFT: "Tolerated"; PolyPhen-2: "Possibly Damaging"; Align-GVGD: "Class C0"). This variant has not been reported in the literature in individuals affected with ATR-related conditions. This variant is present in population databases (no rsID available, gnomAD no frequency). This sequence change replaces leucine, which is neutral and non-polar, with phenylalanine, which is neutral and non-polar, at codon 473 of the ATR protein (p.Leu473Phe).

Ambry Genetics
Classification: Uncertain significance for Inborn genetic diseases. Last evaluated: 2022-01-07. Review status: criteria provided, single submitter. Criteria: Ambry Variant Classification Scheme 2023. Collection method: clinical testing. Allele origin: germline.
Comment: The p.L473F variant (also known as c.1417C>T), located in coding exon 6 of the ATR gene, results from a C to T substitution at nucleotide position 1417. The leucine at codon 473 is replaced by phenylalanine, an amino acid with highly similar properties. This amino acid position is conserved. In addition, this alteration is predicted to be tolerated by in silico analysis. Since supporting evidence is limited at this time, the clinical significance of this alteration remains unclear.